The following is an entry in ClinVar:

NM_001122681.2(SH3BP2):c.1291C>A (p.Pro431Thr)

Gene: SH3BP2 (SH3 domain binding protein 2; plus strand). Cytogenetic location: 4p16.3.
Variant type: single nucleotide variant.
Coding change: c.1291C>A on transcript NM_001122681.2 (MANE Select); coding-DNA position 1291, C replaced by A.
Protein change: p.Pro431Thr; replaces proline 431 with threonine.
Molecular consequence: missense variant.
Genome position (GRCh38, 1-based): chr4:2,831,620, C>A. VCF-style: chr4-2831620-C-A. GRCh37 (hg19) VCF-style: chr4-2833347-C-A.
Other names: c.1375C>A, p.Pro459Thr (NM_001145855.2); c.1462C>A, p.Pro488Thr (NM_001145856.2); c.1291C>A, p.Pro431Thr (NM_003023.4); short protein forms P488T, P431T, P459T.
Identifiers: ClinVar variation 1512182 (VCV001512182.8), dbSNP rs1486769271, ClinGen allele CA356057748.

ClinVar aggregate classification (germline): Uncertain significance (1 of 4 stars; one submission).

Conditions:
Fibrous dysplasia of jaw (CRBM). Also called: Cherubism. Identifiers: Orphanet 184, MedGen C0008029, MONDO:0007315, OMIM 118400.

gnomAD v4.1: 1 of 1,605,454 alleles (0.000062%); highest among the groups gnomAD compares: Non-Finnish European, 0.000085%; no homozygotes.

Submission:

Labcorp Genetics (formerly Invitae), Labcorp
Classification: Uncertain significance for Fibrous dysplasia of jaw. Last evaluated: 2022-09-01. Review status: criteria provided, single submitter. Criteria: Invitae Variant Classification Sherloc (09022015). Collection method: clinical testing. Allele origin: germline.
Comment: This variant is not present in population databases (gnomAD no frequency). This sequence change replaces proline, which is neutral and non-polar, with threonine, which is neutral and polar, at codon 431 of the SH3BP2 protein (p.Pro431Thr). ClinVar contains an entry for this variant (Variation ID: 1512182). In summary, the available evidence is currently insufficient to determine the role of this variant in disease. Therefore, it has been classified as a Variant of Uncertain Significance. Algorithms developed to predict the effect of missense changes on protein structure and function are either unavailable or do not agree on the potential impact of this missense change (SIFT: "Deleterious"; PolyPhen-2: "Possibly Damaging"; Align-GVGD: "Class C0"). This variant has not been reported in the literature in individuals affected with SH3BP2-related conditions.